The following is an entry in ClinVar:

NM_006031.6(PCNT):c.9388G>A (p.Val3130Ile)

Gene: PCNT (pericentrin; plus strand). Cytogenetic location: 21q22.3.
Variant type: single nucleotide variant.
Coding change: c.9388G>A on transcript NM_006031.6 (MANE Select); coding-DNA position 9388, G replaced by A.
Protein change: p.Val3130Ile; replaces valine 3130 with isoleucine.
Molecular consequence: missense variant.
Genome position (GRCh38, 1-based): chr21:46,440,197, G>A. VCF-style: chr21-46440197-G-A. GRCh37 (hg19) VCF-style: chr21-47860110-G-A.
Other names: c.8797G>A, p.Val2933Ile (NM_001315529.2); short protein forms V2933I, V3130I.
Identifiers: ClinVar variation 2557342 (VCV002557342.3), dbSNP rs563489032, ClinGen allele CA10081307.

ClinVar aggregate classification (germline): Uncertain significance. Review status: criteria provided, multiple submitters, no conflicts (2 of 4 stars). 2 submissions from 2 submitters: Uncertain significance (2). Last evaluated 2023-06-29.

Conditions:
Inborn genetic diseases. Identifiers: MedGen C0950123, MeSH D030342.
PCNT-related disorder. Also called: PCNT-related condition.

Allele frequency attached by ClinVar (database versions not stated): ExAC 0.00001; gnomAD exomes 0.00001; TOPMed 0.00001; gnomAD 0.00002.
gnomAD v4.1: 18 of 1,614,014 alleles (0.0011%); highest among the groups gnomAD compares: Non-Finnish European, 0.0014%; no homozygotes.

Submissions (2):

PreventionGenetics, part of Exact Sciences
Classification: Uncertain significance for PCNT-related condition. Last evaluated: 2023-06-29. Review status: criteria provided, single submitter. Criteria: ACMG Guidelines, 2015. Collection method: clinical testing. Allele origin: germline.
Comment: The PCNT c.9388G>A variant is predicted to result in the amino acid substitution p.Val3130Ile. To our knowledge, this variant has not been reported in the literature. This variant is reported in 0.00088% of alleles in individuals of European (Non-Finnish) descent in gnomAD. At this time, the clinical significance of this variant is uncertain due to the absence of conclusive functional and genetic evidence.

Ambry Genetics
Classification: Uncertain significance for Inborn genetic diseases. Last evaluated: 2023-06-06. Review status: criteria provided, single submitter. Criteria: Ambry Variant Classification Scheme 2023. Collection method: clinical testing. Allele origin: germline.